The following is an entry in ClinVar:

ClinVar aggregate classification (germline): Uncertain significance. Review status: criteria provided, multiple submitters, no conflicts (2 of 4 stars). 2 submissions from 2 submitters: Uncertain significance (2). Last evaluated 2025-05-06.

Conditions:
Pure or complex autosomal recessive spastic paraplegia. Identifiers: Orphanet 320346, MedGen C5679887, MONDO:0017915.

Allele frequency attached by ClinVar (database versions not stated): gnomAD exomes 0.00002; ExAC 0.00003; gnomAD 0.00003 and 0.00004; TOPMed 0.00004; ESP Exome Variant Server 0.00008.
gnomAD v4.1: 59 of 1,613,352 alleles (0.0037%); highest among the groups gnomAD compares: Non-Finnish European, 0.0049%; no homozygotes.

Submissions (2):

Ambry Genetics
Classification: Uncertain significance. Last evaluated: 2025-05-06. Review status: criteria provided, single submitter. Criteria: Ambry Variant Classification Scheme 2023. Collection method: clinical testing. Allele origin: germline.

Labcorp Genetics (formerly Invitae), Labcorp
Classification: Uncertain significance for Pure or complex autosomal recessive spastic paraplegia. Last evaluated: 2021-04-08. Review status: criteria provided, single submitter. Criteria: Invitae Variant Classification Sherloc (09022015). Collection method: clinical testing. Allele origin: germline.
Comment: In summary, the available evidence is currently insufficient to determine the role of this variant in disease. Therefore, it has been classified as a Variant of Uncertain Significance. Algorithms developed to predict the effect of missense changes on protein structure and function are either unavailable or do not agree on the potential impact of this missense change (SIFT: "Tolerated"; PolyPhen-2: "Not Available"; Align-GVGD: "Class C0"). This variant has not been reported in the literature in individuals with ZFR-related conditions. This variant is present in population databases (rs140176269, ExAC 0.006%). This sequence change replaces serine with threonine at codon 847 of the ZFR protein (p.Ser847Thr). The serine residue is moderately conserved and there is a small physicochemical difference between serine and threonine.

NM_016107.5(ZFR):c.2539T>A (p.Ser847Thr)

Gene: ZFR (zinc finger RNA binding protein; minus strand). Cytogenetic location: 5p13.3.
Variant type: single nucleotide variant.
Coding change: c.2539T>A on transcript NM_016107.5 (MANE Select); coding-DNA position 2539, T replaced by A.
Protein change: p.Ser847Thr; replaces serine 847 with threonine.
Molecular consequence: missense variant. On other transcripts: non-coding transcript variant (1).
Genome position (GRCh38, 1-based): chr5:32,385,610, A>T on the plus strand (T>A on the coding strand, the complement: ZFR is on the minus strand). VCF-style: chr5-32385610-A-T. GRCh37 (hg19) VCF-style: chr5-32385716-A-T.
Other names: c.2539T>A (NM_016107.3); short protein forms S847T.
Identifiers: ClinVar variation 1486587 (VCV001486587.9), dbSNP rs140176269, ClinGen allele CA3221556.